The following is an entry in ClinVar:

NM_004304.5(ALK):c.1554T>C (p.Ala518=)

Gene: ALK (ALK receptor tyrosine kinase; minus strand). Cytogenetic location: 2p23.2.
Variant type: single nucleotide variant.
Coding change: c.1554T>C on transcript NM_004304.5 (MANE Select); coding-DNA position 1554, T replaced by C.
Protein change: p.Ala518=; no amino-acid change (alanine 518 retained).
Molecular consequence: synonymous variant.
Genome position (GRCh38, 1-based): chr2:29,318,397, A>G on the plus strand (T>C on the coding strand, the complement: ALK is on the minus strand). VCF-style: chr2-29318397-A-G. GRCh37 (hg19) VCF-style: chr2-29541263-A-G.
Identifiers: ClinVar variation 701662 (VCV000701662.30), dbSNP rs376644900, ClinGen allele CA1594610.

ClinVar aggregate classification (germline): Likely benign. Review status: criteria provided, multiple submitters, no conflicts (2 of 4 stars). 4 submissions from 4 submitters: Likely benign (4). Last evaluated 2026-09-01.

Conditions:
Neuroblastoma, susceptibility to, 3. Also called: ALK-Related Neuroblastic Tumor Susceptibility. Identifiers: Orphanet 635, MedGen C2751681, MONDO:0013083, OMIM 613014.
Hereditary cancer-predisposing syndrome. Also called: Neoplastic Syndromes, Hereditary; Hereditary neoplastic syndrome; Hereditary Cancer Syndrome; Tumor predisposition. Identifiers: Orphanet 140162, MedGen C0027672, MeSH D009386, MONDO:0015356.

Allele frequency attached by ClinVar (database versions not stated): gnomAD 0.00001; gnomAD exomes 0.00001 and 0.00002; TOPMed 0.00003; ExAC 0.00004; ESP Exome Variant Server 0.00015.
gnomAD v4.1: 12 of 1,611,050 alleles (0.00074%); highest among the groups gnomAD compares: East Asian, 0.0022%; no homozygotes.

Submissions (4):

CeGaT Center for Human Genetics Tuebingen
Classification: Likely benign. Last evaluated: 2026-09-01. Review status: criteria provided, single submitter. Criteria: CeGaT Center For Human Genetics Tuebingen Variant Classification Criteria Version 2. Collection method: clinical testing. Allele origin: germline. Affected: yes. Observed: 3 variant alleles.
Comment: ALK: BP4, BP7

Labcorp Genetics (formerly Invitae), Labcorp
Classification: Likely benign for Neuroblastoma, susceptibility to, 3. Last evaluated: 2026-01-14. Review status: criteria provided, single submitter. Criteria: Invitae Variant Classification Sherloc (09022015). Collection method: clinical testing. Allele origin: germline.

Ambry Genetics
Classification: Likely benign for Hereditary cancer-predisposing syndrome. Last evaluated: 2022-08-01. Review status: criteria provided, single submitter. Criteria: Ambry Variant Classification Scheme 2023. Collection method: clinical testing. Allele origin: germline.

Sema4
Classification: Likely benign for Hereditary cancer-predisposing syndrome. Last evaluated: 2022-02-22. Review status: criteria provided, single submitter. Criteria: Sema4 Curation Guidelines. Collection method: curation. Allele origin: germline.